The following is an entry in ClinVar:

NM_020919.4(ALS2):c.886G>A (p.Ala296Thr)

Gene: ALS2 (alsin Rho guanine nucleotide exchange factor ALS2; minus strand). Cytogenetic location: 2q33.1.
Variant type: single nucleotide variant.
Coding change: c.886G>A on transcript NM_020919.4 (MANE Select); coding-DNA position 886, G replaced by A.
Protein change: p.Ala296Thr; replaces alanine 296 with threonine.
Molecular consequence: missense variant.
Genome position (GRCh38, 1-based): chr2:201,761,108, C>T on the plus strand (G>A on the coding strand, the complement: ALS2 is on the minus strand). VCF-style: chr2-201761108-C-T. GRCh37 (hg19) VCF-style: chr2-202625831-C-T.
Other names: c.886G>A, p.Ala296Thr (NM_001135745.2); short protein forms A296T.
Identifiers: ClinVar variation 897099 (VCV000897099.7), dbSNP rs765049503, ClinGen allele CA2058579.

ClinVar aggregate classification (germline): Uncertain significance. Review status: criteria provided, multiple submitters, no conflicts (2 of 4 stars). 5 submissions from 4 submitters: Uncertain significance (3). 2 of the submissions do not count toward it. Last evaluated 2022-01-02.

Conditions:
ALS2-related disorder. Also called: ALS2-related disorders; ALS2-related condition; ALS2-Related Spectrum Disorders. Identifiers: MedGen CN169291.
Amyotrophic lateral sclerosis type 2, juvenile. Also called: ALS, JUVENILE; Amyotrophic lateral sclerosis type 2. Identifiers: Orphanet 300605, MedGen C1859807, MONDO:0008780, OMIM 205100.
Infantile-onset ascending hereditary spastic paralysis (IAHSP). Also called: Autosomal Recessive Juvenile Amyotrophic Lateral Sclerosis; Infantile-Onset Ascending Hereditary Spastic Paralysis (IAHSP). Identifiers: Orphanet 293168, MedGen C2931441, MONDO:0011797, OMIM 607225. Disease mechanism: loss of function.

Allele frequency attached by ClinVar (database versions not stated): ExAC 0.00002; gnomAD 0.00003 and 0.00004; TOPMed 0.00001; gnomAD exomes 0.00002.
gnomAD v4.1: 29 of 1,614,052 alleles (0.0018%); highest among the groups gnomAD compares: South Asian, 0.0022%; no homozygotes.

Submissions (5):

Labcorp Genetics (formerly Invitae), Labcorp
Classification: Uncertain significance for Infantile-onset ascending hereditary spastic paralysis. Last evaluated: 2022-01-02. Review status: criteria provided, single submitter. Criteria: Invitae Variant Classification Sherloc (09022015). Collection method: clinical testing. Allele origin: germline.
Comment: This sequence change replaces alanine, which is neutral and non-polar, with threonine, which is neutral and polar, at codon 296 of the ALS2 protein (p.Ala296Thr). This variant is present in population databases (rs765049503, gnomAD 0.003%). This variant has not been reported in the literature in individuals affected with ALS2-related conditions. ClinVar contains an entry for this variant (Variation ID: 897099). Algorithms developed to predict the effect of missense changes on protein structure and function (SIFT, PolyPhen-2, Align-GVGD) all suggest that this variant is likely to be tolerated. In summary, the available evidence is currently insufficient to determine the role of this variant in disease. Therefore, it has been classified as a Variant of Uncertain Significance.

Illumina Laboratory Services, Illumina
Classification: Uncertain significance for Amyotrophic lateral sclerosis type 2. Last evaluated: 2018-01-12. Review status: criteria provided, single submitter. Criteria: ICSL Variant Classification Criteria 13 December 2019. Collection method: clinical testing. Allele origin: germline.

Illumina Laboratory Services, Illumina
Classification: Uncertain significance for ALS2-Related Disorders. Last evaluated: 2018-01-12. Review status: criteria provided, single submitter. Criteria: ICSL Variant Classification Criteria 13 December 2019. Collection method: clinical testing. Allele origin: germline.

Clinical Genetics DNA and cytogenetics Diagnostics Lab, Erasmus MC, Erasmus Medical Center
Classification: Likely benign. Review status: no assertion criteria provided. Collection method: clinical testing. Allele origin: germline. Affected: yes. Study: VKGL Data-share Consensus. Not counted in ClinVar's aggregate classification.

Genome Diagnostics Laboratory, Amsterdam University Medical Center
Classification: Likely benign. Review status: no assertion criteria provided. Collection method: clinical testing. Allele origin: germline. Affected: yes. Study: VKGL Data-share Consensus. Not counted in ClinVar's aggregate classification.